The following is an entry in ClinVar:

ClinVar aggregate classification (germline): Likely benign (1 of 4 stars; one submission).

Conditions:
PEX16-related disorder. Also called: PEX16-related condition.

Submission:

PreventionGenetics, part of Exact Sciences
Classification: Likely benign for PEX16-related condition. Last evaluated: 2025-09-02. Review status: criteria provided, single submitter. Criteria: ACMG Guidelines, 2015. Collection method: clinical testing. Allele origin: germline.
Comment: This variant is classified as likely benign based on ACMG/AMP sequence variant interpretation guidelines (Richards et al. 2015 PMID: 25741868, with internal and published modifications).

NM_004813.4(PEX16):c.*167T>A

Gene: PEX16 (peroxisomal biogenesis factor 16; minus strand). Cytogenetic location: 11p11.2.
Variant type: single nucleotide variant.
Coding change: c.*167T>A on transcript NM_004813.4 (MANE Select); 167 bases downstream of the stop codon, T replaced by A.
Molecular consequence: 3 prime UTR variant.
Genome position (GRCh38, 1-based): chr11:45,910,087, A>T on the plus strand (T>A on the coding strand, the complement: PEX16 is on the minus strand). VCF-style: chr11-45910087-A-T. GRCh37 (hg19) VCF-style: chr11-45931638-A-T.
Other names: c.*2T>A (NM_057174.3).
Identifiers: ClinVar variation 4982959 (VCV004982959.1).